The following is an entry in ClinVar:

ClinVar aggregate classification (germline): Uncertain significance. Review status: criteria provided, multiple submitters, no conflicts (2 of 4 stars). 2 submissions from 2 submitters: Uncertain significance (2). Last evaluated 2026-06-22.

Conditions:
Hermansky-Pudlak syndrome 2 (HPS2). Also called: Platelet defects and oculocutaneous albinism. Identifiers: Orphanet 183678, Orphanet 79430, MedGen C1842362, MONDO:0011997, OMIM 608233.

gnomAD v4.1: 1 of 1,614,094 alleles (0.000062%); highest among the groups gnomAD compares: Admixed American, 0.0017%; no homozygotes.

Submissions (2):

Women's Health and Genetics/Laboratory Corporation of America, LabCorp
Classification: Uncertain significance. Last evaluated: 2026-06-22. Review status: criteria provided, single submitter. Criteria: LabCorp Variant Classification Summary - May 2015. Collection method: clinical testing. Allele origin: germline.

Labcorp Genetics (formerly Invitae), Labcorp
Classification: Uncertain significance for Hermansky-Pudlak syndrome 2. Last evaluated: 2023-06-21. Review status: criteria provided, single submitter. Criteria: Invitae Variant Classification Sherloc (09022015). Collection method: clinical testing. Allele origin: germline.
Comment: In summary, the available evidence is currently insufficient to determine the role of this variant in disease. Therefore, it has been classified as a Variant of Uncertain Significance. Variants that disrupt the consensus splice site are a relatively common cause of aberrant splicing (PMID: 17576681, 9536098). Algorithms developed to predict the effect of sequence changes on RNA splicing suggest that this variant may disrupt the consensus splice site. This variant has not been reported in the literature in individuals affected with AP3B1-related conditions. This variant is present in population databases (no rsID available, gnomAD 0.003%). This sequence change falls in intron 1 of the AP3B1 gene. It does not directly change the encoded amino acid sequence of the AP3B1 protein. It affects a nucleotide within the consensus splice site.

Literature cited by the submitters: PubMed 17576681 (cited by Labcorp Genetics (formerly Invitae), Labcorp); PubMed 9536098 (cited by Labcorp Genetics (formerly Invitae), Labcorp).

NM_003664.5(AP3B1):c.128+4A>G

Gene: AP3B1 (adaptor related protein complex 3 subunit beta 1; minus strand). Cytogenetic location: 5q14.1.
Variant type: single nucleotide variant.
Coding change: c.128+4A>G on transcript NM_003664.5 (MANE Select); 4 bases into the intron after coding-DNA position 128, A replaced by G.
Molecular consequence: intron variant. On other transcripts: 5 prime UTR variant (1).
Genome position (GRCh38, 1-based): chr5:78,294,448, T>C on the plus strand (A>G on the coding strand, the complement: AP3B1 is on the minus strand). VCF-style: chr5-78294448-T-C. GRCh37 (hg19) VCF-style: chr5-77590272-T-C.
Other names: c.-28A>G (NM_001271769.2); c.128+4A>G (NM_001410752.1).
Identifiers: ClinVar variation 3016639 (VCV003016639.2), dbSNP rs754885511, ClinGen allele CA445201316.